The following is an entry in ClinVar:

NM_001377458.1(CLCC1):c.723G>T (p.Gln241His)

Gene: CLCC1 (chloride channel CLIC like 1; minus strand). Cytogenetic location: 1p13.3.
Variant type: single nucleotide variant.
Coding change: c.723G>T on transcript NM_001377458.1 (MANE Select); coding-DNA position 723, G replaced by T.
Protein change: p.Gln241His; replaces glutamine 241 with histidine.
Molecular consequence: missense variant. On other transcripts: non-coding transcript variant (1), intron variant (1).
Genome position (GRCh38, 1-based): chr1:108,941,478, C>A on the plus strand (G>T on the coding strand, the complement: CLCC1 is on the minus strand). VCF-style: chr1-108941478-C-A. GRCh37 (hg19) VCF-style: chr1-109484100-C-A.
Other names: c.723G>T, p.Gln241His (NM_001048210.3, NM_001377467.1, NM_001377468.1 and 8 more transcripts); c.360G>T, p.Gln120His (NM_001278202.2); c.621G>T, p.Gln207His (NM_001377469.1); c.432G>T, p.Gln144His (NM_001377470.1); c.573G>T, p.Gln191His (NM_015127.5); c.340-1696G>T (NM_001278203.1); short protein forms Q191H, Q120H, Q144H, Q241H, Q207H.
Identifiers: ClinVar variation 2089620 (VCV002089620.4), dbSNP rs1016453590, ClinGen allele CA28588128.

ClinVar aggregate classification (germline): Uncertain significance (1 of 4 stars; one submission).

Submission:

Labcorp Genetics (formerly Invitae), Labcorp
Classification: Uncertain significance. Last evaluated: 2022-01-26. Review status: criteria provided, single submitter. Criteria: Invitae Variant Classification Sherloc (09022015). Collection method: clinical testing. Allele origin: germline.
Comment: This sequence change replaces glutamine, which is neutral and polar, with histidine, which is basic and polar, at codon 241 of the CLCC1 protein (p.Gln241His). In summary, the available evidence is currently insufficient to determine the role of this variant in disease. Therefore, it has been classified as a Variant of Uncertain Significance. Algorithms developed to predict the effect of missense changes on protein structure and function are either unavailable or do not agree on the potential impact of this missense change (SIFT: "Deleterious"; PolyPhen-2: "Probably Damaging"; Align-GVGD: "Class C15"). This variant has not been reported in the literature in individuals affected with CLCC1-related conditions. This variant is not present in population databases (gnomAD no frequency).